The following is an entry in ClinVar:

NC_000009.12:g.(?_105575023)_(105575147_?)del

Gene: FKTN (fukutin; plus strand). Cytogenetic location: 9q31.2.
Variant type: Deletion.
Identifiers: ClinVar variation 831068 (VCV000831068.4).

ClinVar aggregate classification (germline): Pathogenic (1 of 4 stars; one submission).

Conditions:
Walker-Warburg congenital muscular dystrophy. Also called: Muscular dystrophy-dystroglycanopathy, type A; Walker-Warburg syndrome. Identifiers: Orphanet 899, MedGen C0265221, MONDO:0000171.

Submission:

Labcorp Genetics (formerly Invitae), Labcorp
Classification: Pathogenic for Walker-Warburg congenital muscular dystrophy. Last evaluated: 2019-11-07. Review status: criteria provided, single submitter. Criteria: Invitae Variant Classification Sherloc (09022015). Collection method: clinical testing. Allele origin: germline.
Comment: This variant is a gross deletion of the genomic region encompassing exon 3 of the FKTN gene, which includes the initiator codon. The 5' end of this event is unknown as it extends beyond the assayed region for this gene and therefore may encompass additional genes. The 3' boundary is likely confined to intron 3 of the FKTN gene. This is expected to result in an absent or disrupted protein product. This variant has not been reported in the literature in individuals with FKTN-related conditions. Loss-of-function variants in FKTN are known to be pathogenic (PMID: 17044012, 17878207, 18752264). For these reasons, this variant has been classified as Pathogenic.

Literature cited by the submitters: PubMed 17044012; PubMed 17878207; PubMed 18752264.